The following is an entry in ClinVar:

GRCh37/hg19 15q11.2(chr15:22509195-23085096)x3

Genes: CYFIP1 (cytoplasmic FMR1 interacting protein 1; minus strand), GOLGA6L1 (golgin A6 family like 1; minus strand), MIR4509-1 (microRNA 4509-1; plus strand), TUBGCP5 (tubulin gamma complex component 5; minus strand). Cytogenetic location: 15q11.2.
Variant type: copy number gain.
Change: copy number 3 (three copies instead of two) of chr15:22,509,195-23,085,096 (575.9 kb, GRCh37 coordinates, 1-based), cytogenetic band 15q11.2.
Identifiers: ClinVar variation 57581 (VCV000057581.1).

ClinVar aggregate classification (germline): Uncertain significance (1 of 4 stars; one submission).

Submission:

ISCA site 15
Classification: Uncertain significance. Last evaluated: 2011-08-12. Review status: criteria provided, single submitter. Criteria: Kaminsky et al. (Genet Med. 2011). Collection method: clinical testing. Allele origin: unknown. Affected: yes. Observed: 1 variant allele.
Comment: Copy number variation identified through the course of routine clinical cytogenomic testing in postnatal populations. Clinical assertions have been curated as described in Kaminsky et al. 2011.